The following is an entry in ClinVar:

NM_000256.3(MYBPC3):c.1758C>T (p.Pro586=)

Gene: MYBPC3 (myosin binding protein C3; minus strand). Cytogenetic location: 11p11.2.
Variant type: single nucleotide variant.
Coding change: c.1758C>T on transcript NM_000256.3 (MANE Select); coding-DNA position 1758, C replaced by T.
Protein change: p.Pro586=; no amino-acid change (proline 586 retained).
Molecular consequence: synonymous variant.
Genome position (GRCh38, 1-based): chr11:47,342,023, G>A on the plus strand (C>T on the coding strand, the complement: MYBPC3 is on the minus strand). VCF-style: chr11-47342023-G-A. GRCh37 (hg19) VCF-style: chr11-47363574-G-A.
Identifiers: ClinVar variation 179895 (VCV000179895.43), dbSNP rs727505203, ClinGen allele CA011029.

ClinVar aggregate classification (germline): Likely benign. Review status: criteria provided, multiple submitters, no conflicts (2 of 4 stars). 9 submissions from 9 submitters: Likely benign (9). Last evaluated 2026-04-10.

Conditions:
Cardiovascular phenotype. Identifiers: MedGen CN230736.
MYBPC3-related disorder. Also called: MYBPC3-related disorders; MYBPC3-related condition; MYBPC3-related disease.
Cardiomyopathy (CMYO). Also called: Cardiomyopathies. Identifiers: Orphanet 167848, MedGen C0878544, MONDO:0004994, HP:0001638. Inheritance: Various modes of inheritance.
Hypertrophic cardiomyopathy. Also called: HYPERTROPHIC MYOCARDIOPATHY. Identifiers: Orphanet 217569, MedGen C0007194, MeSH D002312, MONDO:0005045, HP:0001639.

Allele frequency attached by ClinVar (database versions not stated): TOPMed 0.00002; gnomAD 0.00003; gnomAD exomes 0.00004; ExAC 0.00007.
gnomAD v4.1: 54 of 1,593,222 alleles (0.0034%); highest among the groups gnomAD compares: Admixed American, 0.0054%; no homozygotes.

Submissions (9):

PreventionGenetics, part of Exact Sciences
Classification: Likely benign for MYBPC3-related condition. Last evaluated: 2026-04-10. Review status: criteria provided, single submitter. Criteria: ACMG Guidelines, 2015. Collection method: clinical testing. Allele origin: germline.
Comment: This variant is classified as likely benign based on ACMG/AMP sequence variant interpretation guidelines (Richards et al. 2015 PMID: 25741868, with internal and published modifications).

Labcorp Genetics (formerly Invitae), Labcorp
Classification: Likely benign for Hypertrophic cardiomyopathy. Last evaluated: 2026-01-27. Review status: criteria provided, single submitter. Criteria: Invitae Variant Classification Sherloc (09022015). Collection method: clinical testing. Allele origin: germline.

Molecular Diagnostic Laboratory for Inherited Cardiovascular Disease, Montreal Heart Institute
Classification: Likely benign. Last evaluated: 2025-04-09. Review status: criteria provided, single submitter. Criteria: ACMG Guidelines, 2015. Collection method: clinical testing. Allele origin: germline. Affected: no.

Women's Health and Genetics/Laboratory Corporation of America, LabCorp
Classification: Likely benign. Last evaluated: 2024-03-30. Review status: criteria provided, single submitter. Criteria: LabCorp Variant Classification Summary - May 2015. Collection method: clinical testing. Allele origin: germline.

All of Us Research Program, National Institutes of Health
Classification: Likely benign for Hypertrophic cardiomyopathy. Last evaluated: 2023-11-30. Review status: criteria provided, single submitter. Criteria: ACMG Guidelines, 2015. Collection method: clinical testing. Allele origin: germline. Inheritance: Autosomal dominant inheritance. Observed: 9 variant alleles, 9 heterozygotes.
Comment: This study involves interpretation of variants in research participants for the purpose of population health screening. Participant phenotype was not available at the time of variant classification. Additional details can be found in publication PMID: 35346344, PMCID: PMC8962531

CeGaT Center for Human Genetics Tuebingen
Classification: Likely benign. Last evaluated: 2022-12-01. Review status: criteria provided, single submitter. Criteria: CeGaT Center For Human Genetics Tuebingen Variant Classification Criteria Version 2. Collection method: clinical testing. Allele origin: germline. Affected: yes. Observed: 1 variant allele.
Comment: MYBPC3: BP4, BP7

Ambry Genetics
Classification: Likely benign for Cardiovascular phenotype. Last evaluated: 2020-12-15. Review status: criteria provided, single submitter. Criteria: Ambry Variant Classification Scheme 2023. Collection method: clinical testing. Allele origin: germline.

Color Diagnostics, LLC DBA Color Health
Classification: Likely benign for Cardiomyopathy. Last evaluated: 2018-11-03. Review status: criteria provided, single submitter. Criteria: ACMG Guidelines, 2015. Collection method: clinical testing. Allele origin: germline.

Laboratory for Molecular Medicine, Mass General Brigham Personalized Medicine
Classification: Likely benign. Last evaluated: 2014-07-24. Review status: criteria provided, single submitter. Criteria: LMM Criteria. Collection method: clinical testing. Allele origin: germline. Observed: 1 variant allele.
Comment: Pro586Pro in exon 18 of MYBPC3: This variant is not expected to have clinical si gnificance because it does not alter an amino acid residue and is not located wi thin the splice consensus sequence.